The following is an entry in ClinVar:

ClinVar aggregate classification (germline): Uncertain significance (1 of 4 stars; one submission).

Submission:

GeneDx
Classification: Uncertain significance. Last evaluated: 2024-03-06. Review status: criteria provided, single submitter. Criteria: GeneDx Variant Classification Process June 2021. Collection method: clinical testing. Allele origin: germline. Affected: yes.
Comment: Not observed at significant frequency in large population cohorts (gnomAD); In silico analysis supports that this missense variant does not alter protein structure/function; Has not been previously published as pathogenic or benign to our knowledge

NM_016333.4(SRRM2):c.7735G>A (p.Val2579Ile)

Gene: SRRM2 (serine/arginine repetitive matrix 2; plus strand). Cytogenetic location: 16p13.3.
Variant type: single nucleotide variant.
Coding change: c.7735G>A on transcript NM_016333.4 (MANE Select); coding-DNA position 7735, G replaced by A.
Protein change: p.Val2579Ile; replaces valine 2579 with isoleucine.
Molecular consequence: missense variant.
Genome position (GRCh38, 1-based): chr16:2,768,998, G>A. VCF-style: chr16-2768998-G-A. GRCh37 (hg19) VCF-style: chr16-2818999-G-A.
Other names: short protein forms V2579I.
Identifiers: ClinVar variation 3370668 (VCV003370668.1).